The following is an entry in ClinVar:

ClinVar aggregate classification (germline): Uncertain significance (1 of 4 stars; one submission).

Conditions:
Hereditary cancer-predisposing syndrome. Also called: Tumor predisposition; Neoplastic Syndromes, Hereditary; Hereditary Cancer Syndrome; Hereditary neoplastic syndrome. Identifiers: Orphanet 140162, MedGen C0027672, MeSH D009386, MONDO:0015356.

Submission:

Ambry Genetics
Classification: Uncertain significance for Hereditary cancer-predisposing syndrome. Last evaluated: 2025-01-27. Review status: criteria provided, single submitter. Criteria: Ambry Variant Classification Scheme 2023. Collection method: clinical testing. Allele origin: germline.
Comment: The p.N146K variant (also known as c.438T>G), located in coding exon 4 of the MITF gene, results from a T to G substitution at nucleotide position 438. The asparagine at codon 146 is replaced by lysine, an amino acid with similar properties. This amino acid position is conserved. In addition, this alteration is predicted to be tolerated by in silico analysis. Based on the available evidence, the clinical significance of this variant remains unclear.

NM_001354604.2(MITF):c.759T>G (p.Asn253Lys)

Gene: MITF (melanocyte inducing transcription factor; plus strand). Cytogenetic location: 3p13.
Variant type: single nucleotide variant.
Coding change: c.759T>G on transcript NM_001354604.2 (MANE Select); coding-DNA position 759, T replaced by G.
Protein change: p.Asn253Lys; replaces asparagine 253 with lysine.
Molecular consequence: missense variant.
Genome position (GRCh38, 1-based): chr3:69,941,328, T>G. VCF-style: chr3-69941328-T-G. GRCh37 (hg19) VCF-style: chr3-69990479-T-G.
Other names: c.438T>G, p.Asn146Lys (NM_000248.4, NM_198158.3); c.603T>G, p.Asn201Lys (NM_001184967.2, NM_001354608.2); c.756T>G, p.Asn252Lys (NM_001354605.2, NM_001354606.2, NM_006722.3); c.708T>G, p.Asn236Lys (NM_001354607.2); c.759T>G, p.Asn253Lys (NM_198159.3); c.711T>G, p.Asn237Lys (NM_198177.3); c.270T>G, p.Asn90Lys (NM_198178.3); short protein forms N252K, N201K, N253K, N146K, N236K, N237K, N90K.
Identifiers: ClinVar variation 3873234 (VCV003873234.1).